The following is an entry in ClinVar:

NM_000553.6(WRN):c.241T>C (p.Phe81Leu)

Gene: WRN (WRN RecQ like helicase; plus strand). Cytogenetic location: 8p12.
Variant type: single nucleotide variant.
Coding change: c.241T>C on transcript NM_000553.6 (MANE Select); coding-DNA position 241, T replaced by C.
Protein change: p.Phe81Leu; replaces phenylalanine 81 with leucine.
Molecular consequence: missense variant.
Genome position (GRCh38, 1-based): chr8:31,064,320, T>C. VCF-style: chr8-31064320-T-C. GRCh37 (hg19) VCF-style: chr8-30921836-T-C.
Other names: short protein forms F81L.
Identifiers: ClinVar variation 2141182 (VCV002141182.4), dbSNP rs760452488, ClinGen allele CA4704019.

ClinVar aggregate classification (germline): Uncertain significance (1 of 4 stars; one submission).

Conditions:
Werner syndrome (WRN). Identifiers: Orphanet 902, MedGen C0043119, MONDO:0010196, OMIM 277700.

Allele frequency attached by ClinVar (database versions not stated): gnomAD exomes 0.00001; ExAC 0.00002.
gnomAD v4.1: 3 of 1,614,120 alleles (0.00019%); highest among the groups gnomAD compares: Non-Finnish European, 0.00025%; no homozygotes.

Submission:

Labcorp Genetics (formerly Invitae), Labcorp
Classification: Uncertain significance for Werner syndrome. Last evaluated: 2022-05-29. Review status: criteria provided, single submitter. Criteria: Invitae Variant Classification Sherloc (09022015). Collection method: clinical testing. Allele origin: germline.
Comment: In summary, the available evidence is currently insufficient to determine the role of this variant in disease. Therefore, it has been classified as a Variant of Uncertain Significance. This sequence change replaces phenylalanine, which is neutral and non-polar, with leucine, which is neutral and non-polar, at codon 81 of the WRN protein (p.Phe81Leu). This variant is present in population databases (rs760452488, gnomAD 0.002%). This variant has not been reported in the literature in individuals affected with WRN-related conditions. Algorithms developed to predict the effect of missense changes on protein structure and function are either unavailable or do not agree on the potential impact of this missense change (SIFT: "Not Available"; PolyPhen-2: "Probably Damaging"; Align-GVGD: "Not Available").